The following is an entry in ClinVar:

ClinVar aggregate classification (germline): Uncertain significance. Review status: criteria provided, multiple submitters, no conflicts (2 of 4 stars). 2 submissions from 2 submitters: Uncertain significance (2). Last evaluated 2026-04-22.

Conditions:
Inborn genetic diseases. Identifiers: MedGen C0950123, MeSH D030342.
Frontotemporal dementia and/or amyotrophic lateral sclerosis 1 (FTDALS1). Also called: C9orf72 Frontotemporal Dementia and/or Amyotrophic Lateral Sclerosis; Frontotemporal dementia with motor neuron disease 1. Identifiers: Orphanet 275872, MedGen C5779877, MONDO:0007105, OMIM 105550.
Paget disease of bone 2, early-onset (PDB2). Also called: Paget disease of bone 2. Identifiers: MedGen C4085251, MONDO:0011183, OMIM 602080.

gnomAD v4.1: 1 of 1,614,102 alleles (0.000062%); highest among the groups gnomAD compares: African/African-American, 0.0013%; no homozygotes.

Submissions (2):

Ambry Genetics
Classification: Uncertain significance for Inborn genetic diseases. Last evaluated: 2026-04-22. Review status: criteria provided, single submitter. Criteria: Ambry Variant Classification Scheme 2023. Collection method: clinical testing. Allele origin: germline.

Labcorp Genetics (formerly Invitae), Labcorp
Classification: Uncertain significance for Paget disease of bone 2, early-onset; Frontotemporal dementia and/or amyotrophic lateral sclerosis 1. Last evaluated: 2024-10-10. Review status: criteria provided, single submitter. Criteria: Invitae Variant Classification Sherloc (09022015). Collection method: clinical testing. Allele origin: germline.
Comment: This sequence change replaces serine, which is neutral and polar, with asparagine, which is neutral and polar, at codon 266 of the SQSTM1 protein (p.Ser266Asn). This variant is not present in population databases (gnomAD no frequency). This variant has not been reported in the literature in individuals affected with SQSTM1-related conditions. Invitae Evidence Modeling of protein sequence and biophysical properties (such as structural, functional, and spatial information, amino acid conservation, physicochemical variation, residue mobility, and thermodynamic stability) indicates that this missense variant is not expected to disrupt SQSTM1 protein function with a negative predictive value of 80%. In summary, the available evidence is currently insufficient to determine the role of this variant in disease. Therefore, it has been classified as a Variant of Uncertain Significance.

NM_003900.5(SQSTM1):c.797G>A (p.Ser266Asn)

Gene: SQSTM1 (sequestosome 1; plus strand). Cytogenetic location: 5q35.3.
Variant type: single nucleotide variant.
Coding change: c.797G>A on transcript NM_003900.5 (MANE Select); coding-DNA position 797, G replaced by A.
Protein change: p.Ser266Asn; replaces serine 266 with asparagine.
Molecular consequence: missense variant.
Genome position (GRCh38, 1-based): chr5:179,833,074, G>A. VCF-style: chr5-179833074-G-A. GRCh37 (hg19) VCF-style: chr5-179260074-G-A.
Other names: c.545G>A, p.Ser182Asn (NM_001142298.2, NM_001142299.2); c.797G>A (NM_003900.4); short protein forms S182N, S266N.
Identifiers: ClinVar variation 3752536 (VCV003752536.3).